The following is an entry in ClinVar:

NM_001283009.2(RTEL1):c.2473G>C (p.Val825Leu)

Genes: RTEL1 (regulator of telomere elongation helicase 1; plus strand), RTEL1-TNFRSF6B (RTEL1-TNFRSF6B readthrough (NMD candidate); plus strand). Cytogenetic location: 20q13.33.
Variant type: single nucleotide variant.
Coding change: c.2473G>C on transcript NM_001283009.2 (MANE Select); coding-DNA position 2473, G replaced by C.
Protein change: p.Val825Leu; replaces valine 825 with leucine.
Molecular consequence: missense variant. On other transcripts: non-coding transcript variant (1).
Genome position (GRCh38, 1-based): chr20:63,690,864, G>C. VCF-style: chr20-63690864-G-C. GRCh37 (hg19) VCF-style: chr20-62322217-G-C.
Other names: c.1804G>C, p.Val602Leu (NM_001283010.1); c.2473G>C, p.Val825Leu (NM_016434.4); c.2545G>C, p.Val849Leu (NM_032957.5); short protein forms V825L, V602L, V849L.
Identifiers: ClinVar variation 4629640 (VCV004629640.1).

ClinVar aggregate classification (germline): Uncertain significance (1 of 4 stars; one submission).

Conditions:
Inborn genetic diseases. Identifiers: MedGen C0950123, MeSH D030342.

gnomAD v4.1: 3 of 1,602,138 alleles (0.00019%); highest among the groups gnomAD compares: East Asian, 0.0067%; no homozygotes.

Submission:

Ambry Genetics
Classification: Uncertain significance for Inborn genetic diseases. Last evaluated: 2025-12-07. Review status: criteria provided, single submitter. Criteria: Ambry Variant Classification Scheme 2023. Collection method: clinical testing. Allele origin: germline.
Comment: The p.V825L variant (also known as c.2473G>C), located in coding exon 26 of the RTEL1 gene, results from a G to C substitution at nucleotide position 2473. The valine at codon 825 is replaced by leucine, an amino acid with highly similar properties. This amino acid position is conserved. In addition, this alteration is predicted to be tolerated by in silico analysis. Based on the available evidence, the clinical significance of this variant remains unclear.